The following is an entry in ClinVar:

ClinVar aggregate classification (germline): Likely benign (0 of 4 stars; one submission).

Conditions:
SDCCAG8-related disorder. Also called: SDCCAG8-Related Disorders; SDCCAG8-related condition.

Allele frequency attached by ClinVar (database versions not stated): gnomAD exomes below 0.00001; gnomAD 0.00001.
gnomAD v4.1: 6 of 1,590,620 alleles (0.00038%); highest among the groups gnomAD compares: African/African-American, 0.004%; no homozygotes.

Submission:

PreventionGenetics, part of Exact Sciences
Classification: Likely benign for SDCCAG8-related condition. Last evaluated: 2020-08-31. Review status: no assertion criteria provided. Collection method: clinical testing. Allele origin: germline.
Comment: This variant is classified as likely benign based on ACMG/AMP sequence variant interpretation guidelines (Richards et al. 2015 PMID: 25741868, with internal and published modifications).

NM_006642.5(SDCCAG8):c.726A>G (p.Gln242=)

Gene: SDCCAG8 (SHH signaling and ciliogenesis regulator SDCCAG8; plus strand). Cytogenetic location: 1q43.
Variant type: single nucleotide variant.
Coding change: c.726A>G on transcript NM_006642.5 (MANE Select); coding-DNA position 726, A replaced by G.
Protein change: p.Gln242=; no amino-acid change (glutamine 242 retained).
Molecular consequence: synonymous variant. On other transcripts: 5 prime UTR variant (3).
Genome position (GRCh38, 1-based): chr1:243,304,763, A>G. VCF-style: chr1-243304763-A-G. GRCh37 (hg19) VCF-style: chr1-243468065-A-G.
Other names: c.-387A>G (NM_001350246.2); c.-275A>G (NM_001350247.2); c.822A>G, p.Gln274= (NM_001350248.2); c.432A>G, p.Gln144= (NM_001350249.2); c.-552A>G (NM_001350251.2).
Identifiers: ClinVar variation 3032756 (VCV003032756.2), dbSNP rs570077019, ClinGen allele CA40431025.